The following is an entry in ClinVar:

ClinVar aggregate classification (germline): Uncertain significance (1 of 4 stars; one submission).

Allele frequency attached by ClinVar (database versions not stated): gnomAD exomes below 0.00001; ExAC 0.00001.

Submission:

Labcorp Genetics (formerly Invitae), Labcorp
Classification: Uncertain significance. Last evaluated: 2021-02-03. Review status: criteria provided, single submitter. Criteria: Invitae Variant Classification Sherloc (09022015). Collection method: clinical testing. Allele origin: germline.
Comment: In summary, the available evidence is currently insufficient to determine the role of this variant in disease. Therefore, it has been classified as a Variant of Uncertain Significance. Advanced modeling of protein sequence and biophysical properties (such as structural, functional, and spatial information, amino acid conservation, physicochemical variation, residue mobility, and thermodynamic stability) performed at Invitae indicates that this missense variant is expected to disrupt GRIN2D protein function. This variant has not been reported in the literature in individuals with GRIN2D-related conditions. This variant is present in population databases (rs771345833, ExAC 0.002%). This sequence change replaces aspartic acid with tyrosine at codon 759 of the GRIN2D protein (p.Asp759Tyr). The aspartic acid residue is highly conserved and there is a large physicochemical difference between aspartic acid and tyrosine.

NM_000836.4(GRIN2D):c.2275G>T (p.Asp759Tyr)

Gene: GRIN2D (glutamate ionotropic receptor NMDA type subunit 2D; plus strand). Cytogenetic location: 19q13.33.
Variant type: single nucleotide variant.
Coding change: c.2275G>T on transcript NM_000836.4 (MANE Select); coding-DNA position 2275, G replaced by T.
Protein change: p.Asp759Tyr; replaces aspartic acid 759 with tyrosine.
Molecular consequence: missense variant.
Genome position (GRCh38, 1-based): chr19:48,441,791, G>T. VCF-style: chr19-48441791-G-T. GRCh37 (hg19) VCF-style: chr19-48945048-G-T.
Other names: short protein forms D759Y.
Identifiers: ClinVar variation 1369543 (VCV001369543.8), dbSNP rs771345833, ClinGen allele CA9550708.